The following is an entry in ClinVar:

ClinVar aggregate classification (germline): Conflicting classifications of pathogenicity. Review status: criteria provided, conflicting classifications (1 of 4 stars). 9 submissions from 9 submitters: Uncertain significance (8); Likely benign (1). Last evaluated 2026-05-14.

Conditions:
Hereditary nonpolyposis colorectal neoplasms. Identifiers: MedGen C0009405, MeSH D003123.
Hereditary cancer-predisposing syndrome. Also called: Tumor predisposition; Hereditary Cancer Syndrome; Neoplastic Syndromes, Hereditary; Hereditary neoplastic syndrome. Identifiers: Orphanet 140162, MedGen C0027672, MeSH D009386, MONDO:0015356.
Lynch syndrome. Identifiers: Orphanet 144, MedGen C4552100, MONDO:0005835. Disease mechanism: loss of function.

Allele frequency attached by ClinVar (database versions not stated): TOPMed 0.00001; 1000 Genomes Project 30x 0.00016; 1000 Genomes Project 0.00020.
gnomAD v4.1: 68 of 1,614,098 alleles (0.0042%); highest among the groups gnomAD compares: Non-Finnish European, 0.00042%; no homozygotes.

Submissions (9):

Women's Health and Genetics/Laboratory Corporation of America, LabCorp
Classification: Uncertain significance. Last evaluated: 2026-05-14. Review status: criteria provided, single submitter. Criteria: LabCorp Variant Classification Summary - May 2015. Collection method: clinical testing. Allele origin: germline.
Comment: Variant summary: MSH6 c.3299C>G (p.Thr1100Arg) results in a non-conservative amino acid change in the encoded protein sequence. Algorithms developed to predict the effect of missense changes on protein structure and function all suggest that this variant is likely to be disruptive. The variant allele was found at a frequency of 7.6e-05 in 251432 control chromosomes. This frequency is not significantly higher than estimated for disease-causing variants in MSH6, allowing no conclusion about variant significance. c.3299C>G has been observed in individuals affected with Lynch Syndrome and personal or family history of breast and/or ovarian cancer (Lagerstedt-Robinson_2016, Pereira_2022, de Oliveira_2022). These report(s) do not provide unequivocal conclusions about association of the variant with Lynch Syndrome. To our knowledge, no experimental evidence demonstrating an impact on protein function has been reported. The following publications have been ascertained in the context of this evaluation (PMID: 27601186, 35980532, 35534704). ClinVar contains an entry for this variant (Variation ID: 141274). Based on the evidence outlined above, the variant was classified as uncertain significance.

Labcorp Genetics (formerly Invitae), Labcorp
Classification: Likely benign for Hereditary nonpolyposis colorectal neoplasms. Last evaluated: 2026-01-19. Review status: criteria provided, single submitter. Criteria: Invitae Variant Classification Sherloc (09022015). Collection method: clinical testing. Allele origin: germline.

Quest Diagnostics Nichols Institute San Juan Capistrano
Classification: Uncertain significance. Last evaluated: 2025-09-10. Review status: criteria provided, single submitter. Criteria: Quest Diagnostics criteria. Collection method: clinical testing. Allele origin: unknown.
Comment: The MSH6 c.3299C>G (p.Thr1100Arg) variant has been reported in the published literature in a family with Lynch syndrome (PMID: 27601186 (2016)). The variant has also been detected in individuals with breast cancer (PMIDs: 35980532 (2022) and 33471991 (2021), see also LOVD) and in a reportedly unaffected individual (PMID: 33471991 (2021), see also LOVD). The frequency of this variant in the general population (Genome Aggregation Database) is higher than would generally be expected for pathogenic variants in this gene. Analysis of this variant using bioinformatics tools for the prediction of the effect of amino acid changes on protein structure and function yielded predictions that this variant is damaging. Based on the available information, we are unable to determine the clinical significance of this variant.

Color Diagnostics, LLC DBA Color Health
Classification: Uncertain significance for Hereditary cancer-predisposing syndrome. Last evaluated: 2025-06-02. Review status: criteria provided, single submitter. Criteria: ACMG Guidelines, 2015. Collection method: clinical testing. Allele origin: germline.
Comment: This missense variant replaces threonine with arginine at codon 1100 of the MSH6 protein. Computational prediction is inconclusive regarding the impact of this variant on protein structure and function. To our knowledge, functional studies have not been reported for this variant. This variant has been observed in a Lynch syndrome family (PMID: 27601186). In a large breast cancer case-control study, this variant has been reported in 4/60466 cases and 1/53461 unaffected controls (PMID: 33471991). This variant has been identified in 26/282832 chromosomes in the general population by the Genome Aggregation Database (gnomAD). The available evidence is insufficient to determine the role of this variant in disease conclusively. Therefore, this variant is classified as a Variant of Uncertain Significance.

Blueprint Genetics
Classification: Uncertain significance. Last evaluated: 2024-09-17. Review status: criteria provided, single submitter. Criteria: ACMG Guidelines, 2015. Collection method: clinical testing. Allele origin: germline.

Ambry Genetics
Classification: Uncertain significance for Hereditary cancer-predisposing syndrome. Last evaluated: 2024-08-30. Review status: criteria provided, single submitter. Criteria: Ambry Variant Classification Scheme 2023. Collection method: clinical testing. Allele origin: germline.
Comment: The p.T1100R variant (also known as c.3299C>G), located in coding exon 5 of the MSH6 gene, results from a C to G substitution at nucleotide position 3299. The threonine at codon 1100 is replaced by arginine, an amino acid with similar properties. This alteration was identified in a cohort of families from Sweden undergoing genetic testing for Lynch syndrome (Lagerstedt-Robinson K et al. Oncol. Rep. 2016 Nov;36:2823-2835). This amino acid position is well conserved in available vertebrate species. In addition, this alteration is predicted to be deleterious by in silico analysis. Since supporting evidence is limited at this time, the clinical significance of this alteration remains unclear.

All of Us Research Program, National Institutes of Health
Classification: Uncertain significance for Lynch syndrome. Last evaluated: 2024-05-09. Review status: criteria provided, single submitter. Criteria: ACMG Guidelines, 2015. Collection method: clinical testing. Allele origin: germline. Inheritance: Autosomal dominant inheritance. Observed: 10 variant alleles, 10 heterozygotes.
Comment: This missense variant replaces threonine with arginine at codon 1100 of the MSH6 protein. Computational prediction is inconclusive regarding the impact of this variant on protein structure and function (internally defined REVEL score threshold 0.5 < inconclusive < 0.7, PMID: 27666373). To our knowledge, functional studies have not been reported for this variant. This variant has been observed in a Lynch syndrome family (PMID: 27601186). In a large breast cancer case-control study, this variant has been reported in 4/60466 cases and 1/53461 unaffected controls (PMID: 33471991). This variant has been identified in 26/282832 chromosomes in the general population by the Genome Aggregation Database (gnomAD). The available evidence is insufficient to determine the role of this variant in disease conclusively. Therefore, this variant is classified as a Variant of Uncertain Significance.

This study involves interpretation of variants in research participants for the purpose of population health screening. Participant phenotype was not available at the time of variant classification. Additional details can be found in publication PMID: 35346344, PMCID: PMC8962531

Sema4
Classification: Uncertain significance for Hereditary cancer-predisposing syndrome. Last evaluated: 2022-03-01. Review status: criteria provided, single submitter. Criteria: Sema4 Curation Guidelines. Collection method: curation. Allele origin: germline.
Comment: The MSH6 c.3299C>G (p.T1100R) has been reported in heterozygosity in at least one individual with Lynch syndrome (PMID: 27601186). It has been reported in a large case-control study of breast cancer in 4/60466 cases and in 1/53461 controls (PMID: 33471991). It was observed in 21/25120 chromosomes in the Finnish population, including no homozygotes, according to the Genome Aggregation Database (PMID: 32461654). This variant has been reported in ClinVar (Variation ID: 141274). Functional studies have not been performed, and in silico predictions of the variant's effect on protein function are inconclusive. The evidence is insufficient to meet ACMG/AMP criteria for classifying the variant as benign or pathogenic. Thus, the clinical significance of this variant is currently uncertain.

GeneDx
Classification: Uncertain significance. Last evaluated: 2019-08-15. Review status: criteria provided, single submitter. Criteria: GeneDx Variant Classification Process June 2021. Collection method: clinical testing. Allele origin: germline. Affected: yes.
Comment: In silico analysis, which includes protein predictors and evolutionary conservation, supports a deleterious effect; This variant is associated with the following publications: (PMID: 27601186, 23621914, 22863191)

Literature cited by the submitters: PubMed 27601186 (cited by 6 submitters); PubMed 35980532 (cited by Women's Health and Genetics/Laboratory Corporation of America, LabCorp and Quest Diagnostics Nichols Institute San Juan Capistrano); PubMed 35534704 (cited by Women's Health and Genetics/Laboratory Corporation of America, LabCorp); PubMed 33471991 (cited by 4 submitters); PubMed 32459922 (cited by Quest Diagnostics Nichols Institute San Juan Capistrano).

NM_000179.3(MSH6):c.3299C>G (p.Thr1100Arg)

Gene: MSH6 (mutS homolog 6; plus strand). Cytogenetic location: 2p16.3.
Variant type: single nucleotide variant.
Coding change: c.3299C>G on transcript NM_000179.3 (MANE Select); coding-DNA position 3299, C replaced by G.
Protein change: p.Thr1100Arg; replaces threonine 1100 with arginine.
Molecular consequence: missense variant.
Genome position (GRCh38, 1-based): chr2:47,803,546, C>G. VCF-style: chr2-47803546-C-G. GRCh37 (hg19) VCF-style: chr2-48030685-C-G.
Other names: c.2909C>G, p.Thr970Arg (NM_001281492.2); c.2393C>G, p.Thr798Arg (NM_001281493.2, NM_001281494.2); short protein forms T1100R, T798R, T970R.
Identifiers: ClinVar variation 141274 (VCV000141274.34), dbSNP rs63750442, ClinGen allele CA012463.